The following is an entry in ClinVar:

NM_001365951.3(KIF1B):c.1645T>C (p.Tyr549His)

Gene: KIF1B (kinesin family member 1B; plus strand). Cytogenetic location: 1p36.22.
Variant type: single nucleotide variant.
Coding change: c.1645T>C on transcript NM_001365951.3 (MANE Select); coding-DNA position 1645, T replaced by C.
Protein change: p.Tyr549His; replaces tyrosine 549 with histidine.
Molecular consequence: missense variant.
Genome position (GRCh38, 1-based): chr1:10,295,140, T>C. VCF-style: chr1-10295140-T-C. GRCh37 (hg19) VCF-style: chr1-10355198-T-C.
Other names: c.1645T>C, p.Tyr549His (NM_001365952.1); c.1507T>C, p.Tyr503His (NM_001365953.1, NM_015074.3, NM_183416.4); short protein forms Y503H, Y549H.
Identifiers: ClinVar variation 3864123 (VCV003864123.1).
Genomic context (GRCh38, chr1:10,295,140, plus strand): 5'-TTTCAGACCCCACATCTTGTTAACCTCAATGAAGACCCACTAATGTCTGAGTGCCTACTT[T>C]ATTACATCAAAGATGGAATTACAAGGTATATTTATTTCCTGTTTTGGTCACTTCGTGTGT-3'
Protein context (NP_001352880.1, residues 539-559): EDPLMSECLL[Tyr549His]YIKDGITRVG

ClinVar aggregate classification (germline): Uncertain significance (1 of 4 stars; one submission).

Submission:

Ambry Genetics
Classification: Uncertain significance. Last evaluated: 2025-03-08. Review status: criteria provided, single submitter. Criteria: Ambry Variant Classification Scheme 2023. Collection method: clinical testing. Allele origin: germline.
Comment: The p.Y503H variant (also known as c.1507T>C), located in coding exon 15 of the KIF1B gene, results from a T to C substitution at nucleotide position 1507. The tyrosine at codon 503 is replaced by histidine, an amino acid with similar properties. This amino acid position is conserved. In addition, this alteration is predicted to be deleterious by in silico analysis. Based on the available evidence, the clinical significance of this variant remains unclear.